The following is an entry in ClinVar:

ClinVar aggregate classification (germline): Uncertain significance (1 of 4 stars; one submission).

Conditions:
Hereditary cancer-predisposing syndrome. Also called: Neoplastic Syndromes, Hereditary; Tumor predisposition; Hereditary Cancer Syndrome; Hereditary neoplastic syndrome. Identifiers: Orphanet 140162, MedGen C0027672, MeSH D009386, MONDO:0015356.

Submission:

Ambry Genetics
Classification: Uncertain significance for Hereditary cancer-predisposing syndrome. Last evaluated: 2025-10-01. Review status: criteria provided, single submitter. Criteria: Ambry Variant Classification Scheme 2023. Collection method: clinical testing. Allele origin: germline.
Comment: The c.2308_2310delTCA variant (also known as p.S770del) is located in coding exon 15 of the APC gene. This variant results from an in-frame TCA deletion at nucleotide positions 2308 to 2310. This results in the in-frame deletion of a serine at codon 770. This amino acid position is highly conserved in available vertebrate species. Based on the available evidence, the clinical significance of this variant remains unclear.

NM_000038.6(APC):c.2308_2310del (p.Ser770del)

Gene: APC (APC regulator of Wnt signaling pathway; plus strand). Cytogenetic location: 5q22.2.
Variant type: Deletion.
Coding change: c.2308_2310del on transcript NM_000038.6 (MANE Select); coding-DNA positions 2308 to 2310, 3 bases deleted (TCA; older notation c.2308_2310delTCA).
Protein change: p.Ser770del; deletes serine 770.
Molecular consequence: inframe deletion. On other transcripts: non-coding transcript variant (2).
Genome position (GRCh38, 1-based): chr5:112,837,902-112,837,904, TCA deleted; deleting any 3 consecutive bases within chr5:112,837,901-112,837,904 gives the same sequence; the c. name uses the placement nearest the transcript's 3' end. VCF-style (leftmost placement, unchanged base first): chr5-112837900-TATC-T. GRCh37 (hg19) VCF-style: chr5-112173597-TATC-T.
Other names: c.2308_2310del, p.Ser770del (NM_001127510.3, NM_001354895.2, NM_001407450.1); c.2254_2256del, p.Ser752del (NM_001127511.3); c.2362_2364del, p.Ser788del (NM_001354896.2, NM_001407447.1, NM_001407448.1 and 1 more transcripts); c.2338_2340del, p.Ser780del (NM_001354897.2); c.2233_2235del, p.Ser745del (NM_001354898.2); c.2224_2226del, p.Ser742del (NM_001354899.2); c.2185_2187del, p.Ser729del (NM_001354900.2); c.2131_2133del, p.Ser711del (NM_001354901.2, NM_001407453.1); and 11 more; short protein forms S610del, S641del, S687del, S711del, S745del, S780del, S798del, S487del.
Identifiers: ClinVar variation 4577911 (VCV004577911.1).